The following is an entry in ClinVar:

ClinVar aggregate classification (germline): Uncertain significance. Review status: criteria provided, multiple submitters, no conflicts (2 of 4 stars). 2 submissions from 2 submitters: Uncertain significance (2). Last evaluated 2025-02-25.

Conditions:
Inborn genetic diseases. Identifiers: MedGen C0950123, MeSH D030342.
Muscular dystrophy-dystroglycanopathy (congenital with brain and eye anomalies), type a, 8 (MDDGA8). Also called: WALKER-WARBURG SYNDROME OR MUSCLE-EYE-BRAIN DISEASE, GTDC2-RELATED. Identifiers: Orphanet 899, MedGen C3553813, MONDO:0013904, OMIM 614830.

Allele frequency attached by ClinVar (database versions not stated): gnomAD 0.00001; gnomAD exomes 0.00001 and 0.00002; TOPMed 0.00001.

Submissions (2):

Ambry Genetics
Classification: Uncertain significance for Inborn genetic diseases. Last evaluated: 2025-02-25. Review status: criteria provided, single submitter. Criteria: Ambry Variant Classification Scheme 2023. Collection method: clinical testing. Allele origin: germline.

Labcorp Genetics (formerly Invitae), Labcorp
Classification: Uncertain significance for Muscular dystrophy-dystroglycanopathy (congenital with brain and eye anomalies), type a, 8. Last evaluated: 2021-10-14. Review status: criteria provided, single submitter. Criteria: Invitae Variant Classification Sherloc (09022015). Collection method: clinical testing. Allele origin: germline.
Comment: This variant is not present in population databases (ExAC no frequency). This variant has not been reported in the literature in individuals affected with POMGNT2-related conditions. Algorithms developed to predict the effect of missense changes on protein structure and function are either unavailable or do not agree on the potential impact of this missense change (SIFT: "Deleterious"; PolyPhen-2: "Benign"; Align-GVGD: "Class C55"). In summary, the available evidence is currently insufficient to determine the role of this variant in disease. Therefore, it has been classified as a Variant of Uncertain Significance. This sequence change replaces glutamic acid with lysine at codon 499 of the POMGNT2 protein (p.Glu499Lys). The glutamic acid residue is highly conserved and there is a small physicochemical difference between glutamic acid and lysine.

NM_032806.6(POMGNT2):c.1495G>A (p.Glu499Lys)

Gene: POMGNT2 (protein O-linked mannose N-acetylglucosaminyltransferase 2 (beta 1,4-); minus strand). Cytogenetic location: 3p22.1.
Variant type: single nucleotide variant.
Coding change: c.1495G>A on transcript NM_032806.6 (MANE Select); coding-DNA position 1495, G replaced by A.
Protein change: p.Glu499Lys; replaces glutamic acid 499 with lysine.
Molecular consequence: missense variant.
Genome position (GRCh38, 1-based): chr3:43,079,937, C>T on the plus strand (G>A on the coding strand, the complement: POMGNT2 is on the minus strand). VCF-style: chr3-43079937-C-T. GRCh37 (hg19) VCF-style: chr3-43121429-C-T.
Other names: c.1495G>A (NM_032806.4); short protein forms E499K.
Identifiers: ClinVar variation 1350919 (VCV001350919.6), dbSNP rs947616009, ClinGen allele CA74242441.